The following is an entry in ClinVar:

ClinVar aggregate classification (germline): Benign (1 of 4 stars; one submission).

Allele frequency attached by ClinVar (database versions not stated): 1000 Genomes Project 30x 0.06387; gnomAD 0.06600; 1000 Genomes Project 0.06689; TOPMed 0.07180; gnomAD exomes 0.08770.
gnomAD v4.1: 61,467 of 733,026 alleles (8.4%); highest among the groups gnomAD compares: Middle Eastern, 19%; 2,999 homozygotes.

Submission:

GeneDx
Classification: Benign. Last evaluated: 2018-06-16. Review status: criteria provided, single submitter. Criteria: GeneDx Variant Classification (06012015). Collection method: clinical testing. Allele origin: germline. Affected: yes.
Comment: This variant is considered likely benign or benign based on one or more of the following criteria: it is a conservative change, it occurs at a poorly conserved position in the protein, it is predicted to be benign by multiple in silico algorithms, and/or has population frequency not consistent with disease.

NM_014846.4(WASHC5):c.1278+137G>C

Gene: WASHC5 (WASH complex subunit 5; minus strand). Cytogenetic location: 8q24.13.
Variant type: single nucleotide variant.
Coding change: c.1278+137G>C on transcript NM_014846.4 (MANE Select); 137 bases into the intron after coding-DNA position 1278, G replaced by C.
Molecular consequence: intron variant.
Genome position (GRCh38, 1-based): chr8:125,067,455, C>G on the plus strand (G>C on the coding strand, the complement: WASHC5 is on the minus strand). VCF-style: chr8-125067455-C-G. GRCh37 (hg19) VCF-style: chr8-126079697-C-G.
Other names: c.834+137G>C (NM_001330609.2).
Identifiers: ClinVar variation 682820 (VCV000682820.1), dbSNP rs10283187, ClinGen allele CA185314939.